The following is an entry in ClinVar:

NM_001967.4(EIF4A2):c.727A>G (p.Thr243Ala)

Gene: EIF4A2 (eukaryotic translation initiation factor 4A2; plus strand). Cytogenetic location: 3q27.3.
Variant type: single nucleotide variant.
Coding change: c.727A>G on transcript NM_001967.4 (MANE Select); coding-DNA position 727, A replaced by G.
Protein change: p.Thr243Ala; replaces threonine 243 with alanine.
Molecular consequence: missense variant.
Genome position (GRCh38, 1-based): chr3:186,786,601, A>G. VCF-style: chr3-186786601-A-G. GRCh37 (hg19) VCF-style: chr3-186504390-A-G.
Other names: short protein forms T243A.
Identifiers: ClinVar variation 5001564 (VCV005001564.1).
Genomic context (GRCh38, chr3:186,786,601, plus strand): 5'-GAAGTGACCAAAAAATTCATGAGAGATCCAATTCGAATTCTGGTGAAAAAGGAAGAATTG[A>G]CCCTTGAAGGAATCAAACAGTTTTATATTAATGTTGAGAGAGAGGTAACTGTCTGATTGT-3'
Protein context (NP_001958.2, residues 233-253): IRILVKKEEL[Thr243Ala]LEGIKQFYIN

ClinVar aggregate classification (germline): Uncertain significance (1 of 4 stars; one submission).

Conditions:
EIF4A2-related disorder. Also called: EIF4A2-related condition.

Submission:

PreventionGenetics, part of Exact Sciences
Classification: Uncertain significance for EIF4A2-related condition. Last evaluated: 2025-02-02. Review status: criteria provided, single submitter. Criteria: ACMG Guidelines, 2015. Collection method: clinical testing. Allele origin: germline.
Comment: The EIF4A2 c.727A>G variant is predicted to result in the amino acid substitution p.Thr243Ala. To our knowledge, this variant has not been reported in the literature or in a large population database (gnomAD), indicating this variant is rare. A different missense variant impacting the same amino acid residue (c.728C>T, p.Thr243Ile) has been reported to occur de novo in an individual presenting with speech anomalies, severe delayed gross motor development, intellectual disability, and various brain anomalies (Patient 11, Paul et al. 2023. PubMed ID: 36528028). At this time, the clinical significance of the c.727A>G, p. Thr243Ala variant is uncertain due to the absence of conclusive functional and genetic evidence.